The following is an entry in ClinVar:

NM_001127222.2(CACNA1A):c.4956C>T (p.Asn1652=)

Gene: CACNA1A (calcium voltage-gated channel subunit alpha1 A; minus strand). Cytogenetic location: 19p13.13.
Variant type: single nucleotide variant.
Coding change: c.4956C>T on transcript NM_001127222.2 (MANE Select); coding-DNA position 4956, C replaced by T.
Protein change: p.Asn1652=; no amino-acid change (asparagine 1652 retained).
Molecular consequence: synonymous variant.
Genome position (GRCh38, 1-based): chr19:13,235,725, G>A on the plus strand (C>T on the coding strand, the complement: CACNA1A is on the minus strand). VCF-style: chr19-13235725-G-A. GRCh37 (hg19) VCF-style: chr19-13346539-G-A.
Other names: c.4974C>T, p.Asn1658= (NM_000068.4, NM_023035.3); c.4959C>T, p.Asn1653= (NM_001127221.2); c.4965C>T, p.Asn1655= (NM_001174080.2).
Identifiers: ClinVar variation 3027173 (VCV003027173.22), dbSNP rs780939329, ClinGen allele CA9239861.
Genomic context (GRCh38, chr19:13,235,725, plus strand): 5'-ACGGAGAAGTTTGATGAGCCGGGCAGCTCGGAAGAGGCGGAGAAAGCTCAGGTTGATGAA[G>A]TTATTCTGGGGAGATGGAGGAAGAGGGGTGACCATCCACCCACCCCAAAAGGCTCAGAGC-3'
Protein context (NP_001120694.1, residues 1642-1662): TDILVTEFGN[Asn1652=]FINLSFLRLF

ClinVar aggregate classification (germline): Uncertain significance (1 of 4 stars; one submission).

Allele frequency attached by ClinVar (database versions not stated): ExAC 0.00002.
gnomAD v4.1: 3 of 1,612,430 alleles (0.00019%); highest among the groups gnomAD compares: East Asian, 0.0067%; no homozygotes.

Submission:

CeGaT Center for Human Genetics Tuebingen
Classification: Uncertain significance. Last evaluated: 2024-02-01. Review status: criteria provided, single submitter. Criteria: CeGaT Center For Human Genetics Tuebingen Variant Classification Criteria Version 2. Collection method: clinical testing. Allele origin: germline. Affected: yes. Observed: 1 variant allele.
Comment: CACNA1A: PM2:Supporting, BP4